The following is an entry in ClinVar:

NM_006922.4(SCN3A):c.5882G>A (p.Ser1961Asn)

Gene: SCN3A (sodium voltage-gated channel alpha subunit 3; minus strand). Cytogenetic location: 2q24.3.
Variant type: single nucleotide variant.
Coding change: c.5882G>A on transcript NM_006922.4 (MANE Select); coding-DNA position 5882, G replaced by A.
Protein change: p.Ser1961Asn; replaces serine 1961 with asparagine.
Molecular consequence: missense variant.
Genome position (GRCh38, 1-based): chr2:165,090,271, C>T on the plus strand (G>A on the coding strand, the complement: SCN3A is on the minus strand). VCF-style: chr2-165090271-C-T. GRCh37 (hg19) VCF-style: chr2-165946781-C-T.
Other names: c.5735G>A, p.Ser1912Asn (NM_001081676.2, NM_001081677.2); short protein forms S1912N, S1961N.
Identifiers: ClinVar variation 1004238 (VCV001004238.8), dbSNP rs749832883, ClinGen allele CA1938339.

ClinVar aggregate classification (germline): Uncertain significance (1 of 4 stars; one submission).

Allele frequency attached by ClinVar (database versions not stated): ExAC 0.00001; gnomAD 0.00001; gnomAD exomes 0.00001; TOPMed 0.00001.
gnomAD v4.1: 7 of 1,612,412 alleles (0.00043%); highest among the groups gnomAD compares: Non-Finnish European, 0.00051%; no homozygotes.

Submission:

Labcorp Genetics (formerly Invitae), Labcorp
Classification: Uncertain significance. Last evaluated: 2020-03-30. Review status: criteria provided, single submitter. Criteria: Invitae Variant Classification Sherloc (09022015). Collection method: clinical testing. Allele origin: germline.
Comment: In summary, the available evidence is currently insufficient to determine the role of this variant in disease. Therefore, it has been classified as a Variant of Uncertain Significance. Algorithms developed to predict the effect of missense changes on protein structure and function are either unavailable or do not agree on the potential impact of this missense change (SIFT: "Deleterious"; PolyPhen-2: "Possibly Damaging"; Align-GVGD: "Class C0"). This variant has not been reported in the literature in individuals with SCN3A-related conditions. This variant is present in population databases (rs749832883, ExAC 0.002%). This sequence change replaces serine with asparagine at codon 1961 of the SCN3A protein (p.Ser1961Asn). The serine residue is moderately conserved and there is a small physicochemical difference between serine and asparagine.